The following is an entry in ClinVar:

NM_014639.4(SKIC3):c.2795G>T (p.Gly932Val)

Gene: SKIC3 (SKI3 subunit of superkiller complex; minus strand). Cytogenetic location: 5q15.
Variant type: single nucleotide variant.
Coding change: c.2795G>T on transcript NM_014639.4 (MANE Select); coding-DNA position 2795, G replaced by T.
Protein change: p.Gly932Val; replaces glycine 932 with valine.
Molecular consequence: missense variant.
Genome position (GRCh38, 1-based): chr5:95,512,602, C>A on the plus strand (G>T on the coding strand, the complement: SKIC3 is on the minus strand). VCF-style: chr5-95512602-C-A. GRCh37 (hg19) VCF-style: chr5-94848306-C-A.
Other names: short protein forms G932V.
Identifiers: ClinVar variation 3255343 (VCV003255343.2).

ClinVar aggregate classification (germline): Likely pathogenic. Review status: criteria provided, multiple submitters, no conflicts (2 of 4 stars). 2 submissions from 2 submitters: Likely pathogenic (2). Last evaluated 2024-07-05.

Conditions:
TTC37-related disorders.
Trichohepatoenteric syndrome 1 (THES1). Also called: DIARRHEA, FATAL INFANTILE, WITH TRICHORRHEXIS NODOSA. Identifiers: Orphanet 84064, MedGen C4551982, MONDO:0024541, OMIM 222470.

Submissions (2):

Aleixo Muise Laboratory, Hospital For Sick Children
Classification: Likely pathogenic for Trichohepatoenteric syndrome 1. Last evaluated: 2024-07-05. Review status: criteria provided, single submitter. Criteria: ACMG Guidelines, 2015. Collection method: research. Allele origin: inherited. Affected: yes. Observed: 1 variant allele.
Comment: PM2;PM3;PM5;PP3;PP4

Blueprint Genetics
Classification: Likely pathogenic for TTC37-related disorders. Last evaluated: 2018-07-13. Review status: criteria provided, single submitter. Criteria: ACMG Guidelines, 2015. Collection method: clinical testing. Allele origin: germline. Affected: yes. Observed: 1 variant allele.